The following is an entry in ClinVar:

NM_003803.4(MYOM1):c.2383C>T (p.Arg795Ter)

Gene: MYOM1 (myomesin 1; minus strand). Cytogenetic location: 18p11.31.
Variant type: single nucleotide variant.
Coding change: c.2383C>T on transcript NM_003803.4 (MANE Select); coding-DNA position 2383, C replaced by T.
Protein change: p.Arg795Ter; replaces arginine 795 with a stop codon.
Molecular consequence: nonsense.
Genome position (GRCh38, 1-based): chr18:3,134,651, G>A on the plus strand (C>T on the coding strand, the complement: MYOM1 is on the minus strand). VCF-style: chr18-3134651-G-A. GRCh37 (hg19) VCF-style: chr18-3134649-G-A.
Other names: c.2383C>T, p.Arg795Ter (NM_019856.2); short protein forms R795*.
Identifiers: ClinVar variation 1368753 (VCV001368753.6), dbSNP rs201618512, ClinGen allele CA8874666.

ClinVar aggregate classification (germline): Uncertain significance (1 of 4 stars; one submission).

Conditions:
Hypertrophic cardiomyopathy. Also called: HYPERTROPHIC MYOCARDIOPATHY. Identifiers: Orphanet 217569, MedGen C0007194, MeSH D002312, MONDO:0005045, HP:0001639.

Allele frequency attached by ClinVar (database versions not stated): ESP Exome Variant Server 0.00033.
gnomAD v4.1: 106 of 1,610,522 alleles (0.0066%); highest among the groups gnomAD compares: Non-Finnish European, 0.0085%; no homozygotes.

Submission:

Labcorp Genetics (formerly Invitae), Labcorp
Classification: Uncertain significance for Hypertrophic cardiomyopathy. Last evaluated: 2024-10-18. Review status: criteria provided, single submitter. Criteria: Invitae Variant Classification Sherloc (09022015). Collection method: clinical testing. Allele origin: germline.
Comment: This sequence change creates a premature translational stop signal (p.Arg795*) in the MYOM1 gene. It is expected to result in an absent or disrupted protein product. However, the current clinical and genetic evidence is not sufficient to establish whether loss-of-function variants in MYOM1 cause disease. This variant is present in population databases (rs201618512, gnomAD 0.01%). This variant has not been reported in the literature in individuals affected with MYOM1-related conditions. ClinVar contains an entry for this variant (Variation ID: 1368753). In summary, the available evidence is currently insufficient to determine the role of this variant in disease. Therefore, it has been classified as a Variant of Uncertain Significance.